The following is an entry in ClinVar:

NM_020338.4(ZMIZ1):c.2218_2219del (p.Leu740fs)

Gene: ZMIZ1 (zinc finger MIZ-type containing 1; plus strand). Cytogenetic location: 10q22.3.
Variant type: Microsatellite.
Coding change: c.2218_2219del on transcript NM_020338.4 (MANE Select); coding-DNA positions 2218 to 2219, 2 bases deleted (CT; older notation c.2218_2219delCT).
Protein change: p.Leu740fs; shifts the reading frame from leucine 740.
Molecular consequence: frameshift variant.
Genome position (GRCh38, 1-based): chr10:79,304,107-79,304,108, CT deleted; deleting any 2 consecutive bases within chr10:79,304,104-79,304,108 gives the same sequence; the c. name uses the placement nearest the transcript's 3' end. VCF-style (leftmost placement, unchanged base first): chr10-79304103-GTC-G. GRCh37 (hg19) VCF-style: chr10-81063860-GTC-G.
Other names: short protein forms L740fs.
Identifiers: ClinVar variation 3361817 (VCV003361817.2).

ClinVar aggregate classification (germline): Pathogenic (1 of 4 stars; one submission).

Submission:

GeneDx
Classification: Pathogenic. Last evaluated: 2025-04-21. Review status: criteria provided, single submitter. Criteria: GeneDx Variant Classification Process June 2021. Collection method: clinical testing. Allele origin: germline.
Comment: Frameshift variant predicted to result in protein truncation or nonsense mediated decay in a gene for which loss-of-function is a known mechanism of disease; Not observed at significant frequency in large population cohorts (gnomAD); Has not been previously published as pathogenic or benign to our knowledge